The following is an entry in ClinVar:

NM_020964.3(EPG5):c.1187dup (p.Tyr396Ter)

Gene: EPG5 (ectopic P-granules 5 autophagy tethering factor; minus strand). Cytogenetic location: 18q21.1.
Variant type: Duplication.
Coding change: c.1187dup on transcript NM_020964.3 (MANE Select); coding-DNA position 1187, one base duplicated (A; older notation c.1187dupA).
Protein change: p.Tyr396Ter; replaces tyrosine 396 with a stop codon.
Molecular consequence: nonsense.
Genome position (GRCh38, 1-based): chr18:45,952,465, T duplicated on the plus strand (A on the coding strand, the reverse complement: EPG5 is on the minus strand). VCF-style (leftmost placement, unchanged base first): chr18-45952464-G-GT. GRCh37 (hg19) VCF-style: chr18-43532430-G-GT.
Other names: c.1187dup, p.Tyr396Ter (NM_001410858.1, NM_001410859.1); short protein forms Y396*.
Identifiers: ClinVar variation 4772352 (VCV004772352.1).
Genomic context (GRCh38, chr18:45,952,464, plus strand): 5'-GCCTTGCTGGTGAATTGCTGAAGATCTCAGAACAGCTGAACTACTGAGCAATGCATAGAT[G>GT]TAAGACTCCACTTGCAATCTTGAGAGCACAGAAGTATAAGAATGAAGGGCCAGGGTCTGG-3'

ClinVar aggregate classification (germline): Pathogenic (1 of 4 stars; one submission).

Conditions:
Vici syndrome (VICIS). Identifiers: Orphanet 1493, MedGen C1855772, MONDO:0009452, OMIM 242840.

Submission:

Labcorp Genetics (formerly Invitae), Labcorp
Classification: Pathogenic for Vici syndrome. Last evaluated: 2026-01-14. Review status: criteria provided, single submitter. Criteria: Invitae Variant Classification Sherloc (09022015). Collection method: clinical testing. Allele origin: germline.
Comment: This sequence change creates a premature translational stop signal (p.Tyr396*) in the EPG5 gene. It is expected to result in an absent or disrupted protein product. Loss-of-function variants in EPG5 are known to be pathogenic (PMID: 23222957, 23674064, 40192014). This variant is present in population databases (rs749500894, gnomAD 0.0009%). This premature translational stop signal has been observed in individual(s) with Vici syndrome (PMID: 28615637). For these reasons, this variant has been classified as Pathogenic.

Literature cited by the submitters: PubMed 23222957; PubMed 23674064; PubMed 40192014; PubMed 28615637.